The following is an entry in ClinVar:

ClinVar aggregate classification (germline): Uncertain significance (1 of 4 stars; one submission).

Submission:

Labcorp Genetics (formerly Invitae), Labcorp
Classification: Uncertain significance. Last evaluated: 2023-11-15. Review status: criteria provided, single submitter. Criteria: Invitae Variant Classification Sherloc (09022015). Collection method: clinical testing. Allele origin: germline.
Comment: This sequence change replaces phenylalanine, which is neutral and non-polar, with leucine, which is neutral and non-polar, at codon 648 of the KCNH1 protein (p.Phe648Leu). This variant is not present in population databases (gnomAD no frequency). This variant has not been reported in the literature in individuals affected with KCNH1-related conditions. Advanced modeling of protein sequence and biophysical properties (such as structural, functional, and spatial information, amino acid conservation, physicochemical variation, residue mobility, and thermodynamic stability) has been performed at Invitae for this missense variant, however the output from this modeling did not meet the statistical confidence thresholds required to predict the impact of this variant on KCNH1 protein function. In summary, the available evidence is currently insufficient to determine the role of this variant in disease. Therefore, it has been classified as a Variant of Uncertain Significance.

NM_172362.3(KCNH1):c.1944C>A (p.Phe648Leu)

Gene: KCNH1 (potassium voltage-gated channel subfamily H member 1; minus strand). Cytogenetic location: 1q32.2.
Variant type: single nucleotide variant.
Coding change: c.1944C>A on transcript NM_172362.3 (MANE Select); coding-DNA position 1944, C replaced by A.
Protein change: p.Phe648Leu; replaces phenylalanine 648 with leucine.
Molecular consequence: missense variant.
Genome position (GRCh38, 1-based): chr1:210,775,516, G>T on the plus strand (C>A on the coding strand, the complement: KCNH1 is on the minus strand). VCF-style: chr1-210775516-G-T. GRCh37 (hg19) VCF-style: chr1-210948858-G-T.
Other names: c.1863C>A, p.Phe621Leu (NM_002238.4); short protein forms F621L, F648L.
Identifiers: ClinVar variation 2728126 (VCV002728126.3), dbSNP rs2526748001, ClinGen allele CA344872245.